The following is an entry in ClinVar:

ClinVar aggregate classification (germline): Conflicting classifications of pathogenicity. Review status: criteria provided, conflicting classifications (1 of 4 stars). 7 submissions from 7 submitters: Uncertain significance (1); Benign (1); Likely benign (4). 1 of the submissions does not count toward it. Last evaluated 2025-04-28.

Conditions:
HSPG2-related disorder. Also called: HSPG2-related condition; HSPG2-related disorders.
Inborn genetic diseases. Identifiers: MedGen C0950123, MeSH D030342.

Allele frequency attached by ClinVar (database versions not stated): gnomAD exomes 0.00030; ExAC 0.00036; 1000 Genomes Project 30x 0.00078; 1000 Genomes Project 0.00080; gnomAD 0.00084 and 0.00086; ESP Exome Variant Server 0.00085; TOPMed 0.00088.
gnomAD v4.1: 282 of 1,613,108 alleles (0.017%); highest among the groups gnomAD compares: African/African-American, 0.24%; 1 homozygote.

Submissions (7):

Labcorp Genetics (formerly Invitae), Labcorp
Classification: Benign. Last evaluated: 2025-04-28. Review status: criteria provided, single submitter. Criteria: Invitae Variant Classification Sherloc (09022015). Collection method: clinical testing. Allele origin: germline.

Blueprint Genetics
Classification: Likely benign. Last evaluated: 2024-10-08. Review status: criteria provided, single submitter. Criteria: ACMG Guidelines, 2015. Collection method: clinical testing. Allele origin: germline.

Ambry Genetics
Classification: Likely benign for Inborn genetic diseases. Last evaluated: 2022-04-22. Review status: criteria provided, single submitter. Criteria: Ambry Variant Classification Scheme 2023. Collection method: clinical testing. Allele origin: germline.

ARUP Laboratories, Molecular Genetics and Genomics, ARUP Laboratories
Classification: Likely benign. Last evaluated: 2021-03-09. Review status: criteria provided, single submitter. Criteria: ARUP Molecular Germline Variant Investigation Process 2021. Collection method: clinical testing. Allele origin: germline.

GeneDx
Classification: Likely benign. Last evaluated: 2021-03-08. Review status: criteria provided, single submitter. Criteria: GeneDx Variant Classification Process June 2021. Collection method: clinical testing. Allele origin: germline. Affected: yes.

Athena Diagnostics
Classification: Uncertain significance. Last evaluated: 2020-02-26. Review status: criteria provided, single submitter. Criteria: Athena Diagnostics Criteria. Collection method: clinical testing. Allele origin: unknown.

PreventionGenetics, part of Exact Sciences
Classification: Likely benign for HSPG2-related condition. Last evaluated: 2024-05-17. Review status: no assertion criteria provided. Collection method: clinical testing. Allele origin: germline. Not counted in ClinVar's aggregate classification.
Comment: This variant is classified as likely benign based on ACMG/AMP sequence variant interpretation guidelines (Richards et al. 2015 PMID: 25741868, with internal and published modifications).

NM_005529.7(HSPG2):c.8381G>A (p.Arg2794Gln)

Gene: HSPG2 (heparan sulfate proteoglycan 2; minus strand). Cytogenetic location: 1p36.12.
Variant type: single nucleotide variant.
Coding change: c.8381G>A on transcript NM_005529.7 (MANE Select); coding-DNA position 8381, G replaced by A.
Protein change: p.Arg2794Gln; replaces arginine 2794 with glutamine.
Molecular consequence: missense variant.
Genome position (GRCh38, 1-based): chr1:21,846,191, C>T on the plus strand (G>A on the coding strand, the complement: HSPG2 is on the minus strand). VCF-style: chr1-21846191-C-T. GRCh37 (hg19) VCF-style: chr1-22172684-C-T.
Other names: c.8384G>A, p.Arg2795Gln (NM_001291860.2); short protein forms R2795Q, R2794Q.
Identifiers: ClinVar variation 709330 (VCV000709330.25), dbSNP rs141563188, ClinGen allele CA670796.